The following is an entry in ClinVar:

ClinVar aggregate classification (germline): Uncertain significance (1 of 4 stars; one submission).

Conditions:
Ehlers-Danlos syndrome, classic type, 1 (EDSCL1). Also called: EHLERS-DANLOS SYNDROME, GRAVIS TYPE; EHLERS-DANLOS SYNDROME, SEVERE CLASSIC TYPE; Ehlers-Danlos syndrome, type 1; Ehlers-Danlos Syndrome, Classic Type, COL5A1-Related; EDS I. Identifiers: MedGen C0268335, MONDO:0019567, OMIM 130000.

gnomAD v4.1: 5 of 1,614,018 alleles (0.00031%); highest among the groups gnomAD compares: Non-Finnish European, 0.00042%; no homozygotes.

Submission:

Labcorp Genetics (formerly Invitae), Labcorp
Classification: Uncertain significance for Ehlers-Danlos syndrome, classic type, 1. Last evaluated: 2025-05-07. Review status: criteria provided, single submitter. Criteria: Invitae Variant Classification Sherloc (09022015). Collection method: clinical testing. Allele origin: germline.
Comment: This sequence change replaces proline, which is neutral and non-polar, with threonine, which is neutral and polar, at codon 961 of the COL5A2 protein (p.Pro961Thr). This variant is not present in population databases (gnomAD no frequency). This variant has not been reported in the literature in individuals affected with COL5A2-related conditions. Invitae Evidence Modeling of protein sequence and biophysical properties (such as structural, functional, and spatial information, amino acid conservation, physicochemical variation, residue mobility, and thermodynamic stability) indicates that this missense variant is not expected to disrupt COL5A2 protein function with a negative predictive value of 80%. In summary, the available evidence is currently insufficient to determine the role of this variant in disease. Therefore, it has been classified as a Variant of Uncertain Significance.

NM_000393.5(COL5A2):c.2881C>A (p.Pro961Thr)

Gene: COL5A2 (collagen type V alpha 2 chain; minus strand). Cytogenetic location: 2q32.2.
Variant type: single nucleotide variant.
Coding change: c.2881C>A on transcript NM_000393.5 (MANE Select); coding-DNA position 2881, C replaced by A.
Protein change: p.Pro961Thr; replaces proline 961 with threonine.
Molecular consequence: missense variant.
Genome position (GRCh38, 1-based): chr2:189,051,370, G>T on the plus strand (C>A on the coding strand, the complement: COL5A2 is on the minus strand). VCF-style: chr2-189051370-G-T. GRCh37 (hg19) VCF-style: chr2-189916096-G-T.
Other names: short protein forms P961T.
Identifiers: ClinVar variation 4748578 (VCV004748578.1).